The following is an entry in ClinVar:

ClinVar aggregate classification (germline): Uncertain significance. Review status: criteria provided, multiple submitters, no conflicts (2 of 4 stars). 3 submissions from 3 submitters: Uncertain significance (2). 1 of the submissions does not count toward it. Last evaluated 2025-06-30.

Conditions:
Microcephaly. Also called: Microcephaly (disease). Identifiers: MedGen C4551563, MONDO:0001149, HP:0000252.
Hereditary cancer-predisposing syndrome. Also called: Tumor predisposition; Hereditary neoplastic syndrome; Neoplastic Syndromes, Hereditary; Hereditary Cancer Syndrome. Identifiers: Orphanet 140162, MedGen C0027672, MeSH D009386, MONDO:0015356.

gnomAD v4.1: 1 of 1,613,752 alleles (0.000062%); highest among the groups gnomAD compares: East Asian, 0.0022%; no homozygotes.

Submissions (3):

Labcorp Genetics (formerly Invitae), Labcorp
Classification: Uncertain significance. Last evaluated: 2025-06-30. Review status: criteria provided, single submitter. Criteria: Invitae Variant Classification Sherloc (09022015). Collection method: clinical testing. Allele origin: germline.
Comment: This sequence change replaces alanine, which is neutral and non-polar, with glycine, which is neutral and non-polar, at codon 199 of the FH protein (p.Ala199Gly). This variant is present in population databases (rs775099009, gnomAD 0.01%). This variant has not been reported in the literature in individuals affected with FH-related conditions. ClinVar contains an entry for this variant (Variation ID: 813570). Invitae Evidence Modeling of protein sequence and biophysical properties (such as structural, functional, and spatial information, amino acid conservation, physicochemical variation, residue mobility, and thermodynamic stability) has been performed for this missense variant. However, the output from this modeling did not meet the statistical confidence thresholds required to predict the impact of this variant on FH protein function. In summary, the available evidence is currently insufficient to determine the role of this variant in disease. Therefore, it has been classified as a Variant of Uncertain Significance.

Ambry Genetics
Classification: Uncertain significance for Hereditary cancer-predisposing syndrome. Last evaluated: 2024-09-23. Review status: criteria provided, single submitter. Criteria: Ambry Variant Classification Scheme 2023. Collection method: clinical testing. Allele origin: germline.
Comment: The p.A199G variant (also known as c.596C>G), located in coding exon 5 of the FH gene, results from a C to G substitution at nucleotide position 596. The alanine at codon 199 is replaced by glycine, an amino acid with similar properties. This amino acid position is conserved. In addition, the in silico prediction for this alteration is inconclusive. Based on the available evidence, the clinical significance of this variant remains unclear.

Department of Pediatrics, Samsung Medical Center, Samsung Medical Center
Classification: Uncertain significance for Microcephaly. Review status: no assertion criteria provided. Criteria: ACMG Guidelines, 2015. Collection method: research. Allele origin: germline. Affected: yes. Not counted in ClinVar's aggregate classification.

NM_000143.4(FH):c.596C>G (p.Ala199Gly)

Gene: FH (fumarate hydratase; minus strand). Cytogenetic location: 1q43.
Variant type: single nucleotide variant.
Coding change: c.596C>G on transcript NM_000143.4 (MANE Select); coding-DNA position 596, C replaced by G.
Protein change: p.Ala199Gly; replaces alanine 199 with glycine.
Molecular consequence: missense variant.
Genome position (GRCh38, 1-based): chr1:241,508,745, G>C on the plus strand (C>G on the coding strand, the complement: FH is on the minus strand). VCF-style: chr1-241508745-G-C. GRCh37 (hg19) VCF-style: chr1-241672045-G-C.
Other names: short protein forms A199G.
Identifiers: ClinVar variation 813570 (VCV000813570.3), dbSNP rs775099009, ClinGen allele CA1478647.
Genomic context (GRCh38, chr1:241,508,745, plus strand): 5'-TCAAGAGCATCATGTAACTTCTGTAGTCCTGGTAACAGTACTTCATGAACTTCTATTGCA[G>C]CAGCAATGTGCATTGCTGTGGGAAAAGTATCATTTGAGCTCTGTTGGAAATTTTTCAAAA-3'
Protein context (NP_000134.2, residues 189-209): DTFPTAMHIA[Ala199Gly]AIEVHEVLLP